The following is an entry in ClinVar:

NM_017934.7(PHIP):c.636A>G (p.Thr212=)

Gene: PHIP (PHIP subunit of CUL4-Ring ligase complex; minus strand). Cytogenetic location: 6q14.1.
Variant type: single nucleotide variant.
Coding change: c.636A>G on transcript NM_017934.7 (MANE Select); coding-DNA position 636, A replaced by G.
Protein change: p.Thr212=; no amino-acid change (threonine 212 retained).
Molecular consequence: synonymous variant.
Genome position (GRCh38, 1-based): chr6:79,026,129, T>C on the plus strand (A>G on the coding strand, the complement: PHIP is on the minus strand). VCF-style: chr6-79026129-T-C. GRCh37 (hg19) VCF-style: chr6-79735846-T-C.
Identifiers: ClinVar variation 4982420 (VCV004982420.1).

ClinVar aggregate classification (germline): Likely benign (1 of 4 stars; one submission).

Conditions:
PHIP-related disorder. Also called: PHIP-related condition; PHIP-related disorders.

Submission:

PreventionGenetics, part of Exact Sciences
Classification: Likely benign for PHIP-related condition. Last evaluated: 2025-02-18. Review status: criteria provided, single submitter. Criteria: ACMG Guidelines, 2015. Collection method: clinical testing. Allele origin: germline.
Comment: This variant is classified as likely benign based on ACMG/AMP sequence variant interpretation guidelines (Richards et al. 2015 PMID: 25741868, with internal and published modifications).